The following is an entry in ClinVar:

ClinVar aggregate classification (germline): Uncertain significance (1 of 4 stars; one submission).

Submission:

GeneDx
Classification: Uncertain significance. Last evaluated: 2026-03-12. Review status: criteria provided, single submitter. Criteria: GeneDx Variant Classification Process June 2021. Collection method: clinical testing. Allele origin: germline.
Comment: Not observed at significant frequency in large population cohorts (gnomAD); In silico analysis suggests that this missense variant does not alter protein structure/function; Has not been previously published as pathogenic or benign to our knowledge

NM_001321075.3(DLG4):c.1321A>G (p.Lys441Glu)

Gene: DLG4 (discs large MAGUK scaffold protein 4; minus strand). Cytogenetic location: 17p13.1.
Variant type: single nucleotide variant.
Coding change: c.1321A>G on transcript NM_001321075.3 (MANE Select); coding-DNA position 1321, A replaced by G.
Protein change: p.Lys441Glu; replaces lysine 441 with glutamic acid.
Molecular consequence: missense variant. On other transcripts: non-coding transcript variant (1).
Genome position (GRCh38, 1-based): chr17:7,194,476, T>C on the plus strand (A>G on the coding strand, the complement: DLG4 is on the minus strand). VCF-style: chr17-7194476-T-C. GRCh37 (hg19) VCF-style: chr17-7097795-T-C.
Other names: c.1312A>G, p.Lys438Glu (NM_001128827.4); c.1441A>G, p.Lys481Glu (NM_001321074.1); c.1141A>G, p.Lys381Glu (NM_001321076.3, NM_001321077.3); c.1450A>G, p.Lys484Glu (NM_001365.5); c.1240A>G, p.Lys414Glu (NM_001369566.3); short protein forms K381E, K414E, K438E, K441E, K481E, K484E.
Identifiers: ClinVar variation 5008115 (VCV005008115.1).